The following is an entry in ClinVar:

NM_000709.4(BCKDHA):c.497A>T (p.Tyr166Phe)

Gene: BCKDHA (branched chain keto acid dehydrogenase E1 subunit alpha; plus strand). Cytogenetic location: 19q13.2.
Variant type: single nucleotide variant.
Coding change: c.497A>T on transcript NM_000709.4 (MANE Select); coding-DNA position 497, A replaced by T.
Protein change: p.Tyr166Phe; replaces tyrosine 166 with phenylalanine.
Molecular consequence: missense variant.
Genome position (GRCh38, 1-based): chr19:41,419,147, A>T. VCF-style: chr19-41419147-A-T. GRCh37 (hg19) VCF-style: chr19-41925052-A-T.
Other names: c.497A>T, p.Tyr166Phe (NM_001164783.2); short protein forms Y166F.
Identifiers: ClinVar variation 935899 (VCV000935899.7), dbSNP rs2039337230, ClinGen allele CA406010498.

ClinVar aggregate classification (germline): Uncertain significance (1 of 4 stars; one submission).

Conditions:
Maple syrup urine disease (MSUD). Identifiers: Orphanet 511, MedGen C0024776, MeSH D008375, MONDO:0009563. Disease mechanism: loss of function.

Allele frequency attached by ClinVar (database versions not stated): gnomAD 0.00001; gnomAD exomes 0.00001.
gnomAD v4.1: 4 of 1,614,056 alleles (0.00025%); highest among the groups gnomAD compares: Non-Finnish European, 0.00034%; no homozygotes.

Submission:

Labcorp Genetics (formerly Invitae), Labcorp
Classification: Uncertain significance for Maple syrup urine disease. Last evaluated: 2021-09-01. Review status: criteria provided, single submitter. Criteria: Invitae Variant Classification Sherloc (09022015). Collection method: clinical testing. Allele origin: germline.
Comment: This sequence change replaces tyrosine with phenylalanine at codon 166 of the BCKDHA protein (p.Tyr166Phe). The tyrosine residue is highly conserved and there is a small physicochemical difference between tyrosine and phenylalanine. This variant is not present in population databases (ExAC no frequency). This variant has not been reported in the literature in individuals affected with BCKDHA-related conditions. Algorithms developed to predict the effect of missense changes on protein structure and function (SIFT, PolyPhen-2, Align-GVGD) all suggest that this variant is likely to be tolerated. In summary, the available evidence is currently insufficient to determine the role of this variant in disease. Therefore, it has been classified as a Variant of Uncertain Significance.